The following is an entry in ClinVar:

NM_000143.4(FH):c.357A>G (p.Ala119=)

Gene: FH (fumarate hydratase; minus strand). Cytogenetic location: 1q43.
Variant type: single nucleotide variant.
Coding change: c.357A>G on transcript NM_000143.4 (MANE Select); coding-DNA position 357, A replaced by G.
Protein change: p.Ala119=; no amino-acid change (alanine 119 retained).
Molecular consequence: synonymous variant.
Genome position (GRCh38, 1-based): chr1:241,513,624, T>C on the plus strand (A>G on the coding strand, the complement: FH is on the minus strand). VCF-style: chr1-241513624-T-C. GRCh37 (hg19) VCF-style: chr1-241676924-T-C.
Identifiers: ClinVar variation 3515082 (VCV003515082.2).
Genomic context (GRCh38, chr1:241,513,624, plus strand): 5'-GTCTGAGGTTATTAAGCAAACACACTTATCACCTCCTACCTCATCTGCTGCCTTCATTAT[T>C]GCATTAGCAATCTTTGGATCAAGACCATAATCCTGGTTTACTTCAGCGGCCGCTCGCTTC-3'
Protein context (NP_000134.2, residues 109-129): DYGLDPKIAN[Ala119=]IMKAADEVAE

ClinVar aggregate classification (germline): Benign/Likely benign. Review status: criteria provided, multiple submitters, no conflicts (2 of 4 stars). 2 submissions from 2 submitters: Benign (1); Likely benign (1). Last evaluated 2024-10-17.

Conditions:
Hereditary leiomyomatosis and renal cell cancer. Also called: MULTIPLE CUTANEOUS AND UTERINE LEIOMYOMATA 1, WITH OR WITHOUT RENAL CELL CARCINOMA; LEIOMYOMA, MULTIPLE CUTANEOUS; Reed syndrome; Multiple cutaneous and uterine leiomyomatosis; Cutaneous leiomyomata with uterine leiomyomata; Leiomyoma, hereditary multiple, of skin. Identifiers: Orphanet 523, MedGen C1708350, MONDO:0007888, OMIM 150800, HP:0007437. Disease mechanism: loss of function.
Hereditary cancer-predisposing syndrome. Also called: Neoplastic Syndromes, Hereditary; Tumor predisposition; Hereditary Cancer Syndrome; Hereditary neoplastic syndrome. Identifiers: Orphanet 140162, MedGen C0027672, MeSH D009386, MONDO:0015356.

Submissions (2):

Myriad Genetics, Inc.
Classification: Benign for Hereditary leiomyomatosis and renal cell cancer. Last evaluated: 2024-10-17. Review status: criteria provided, single submitter. Criteria: Myriad Autosomal Dominant, Autosomal Recessive and X-Linked Classification Criteria (2023). Collection method: clinical testing. Allele origin: unknown.
Comment: This variant is considered benign. This variant is a silent/synonymous amino acid change and it is not expected to impact splicing.

Ambry Genetics
Classification: Likely benign for Hereditary cancer-predisposing syndrome. Last evaluated: 2024-07-15. Review status: criteria provided, single submitter. Criteria: Ambry Variant Classification Scheme 2023. Collection method: clinical testing. Allele origin: germline.